The following is an entry in ClinVar:

ClinVar aggregate classification (germline): Uncertain significance. Review status: criteria provided, multiple submitters, no conflicts (2 of 4 stars). 2 submissions from 2 submitters: Uncertain significance (2). Last evaluated 2024-04-29.

Conditions:
Choanal atresia-athelia-hypothyroidism-delayed puberty-short stature syndrome (BCAHH). Also called: BRANCHIAL ARCH ABNORMALITIES, CHOANAL ATRESIA, ATHELIA, HEARING LOSS, AND HYPOTHYROIDISM SYNDROME. Identifiers: Orphanet 589856, MedGen C5680310, MONDO:0035651, OMIM 620186.
Kabuki syndrome 1 (KABUK1). Also called: KMT2D-Related Kabuki Syndrome. Identifiers: Orphanet 2322, MedGen CN030661, MONDO:0007843, OMIM 147920.
Kabuki syndrome. Also called: NIIKAWA-KUROKI SYNDROME; Kabuki make-up syndrome. Identifiers: Orphanet 2322, MedGen C0796004, MONDO:0016512.

Submissions (2):

Labcorp Genetics (formerly Invitae), Labcorp
Classification: Uncertain significance for Kabuki syndrome. Last evaluated: 2024-04-29. Review status: criteria provided, single submitter. Criteria: Invitae Variant Classification Sherloc (09022015). Collection method: clinical testing. Allele origin: germline.
Comment: This variant, c.12225_12227del, results in the deletion of 1 amino acid(s) of the KMT2D protein (p.Leu4077del), but otherwise preserves the integrity of the reading frame. This variant is present in population databases (no rsID available, gnomAD 0.004%). This variant has not been reported in the literature in individuals affected with KMT2D-related conditions. ClinVar contains an entry for this variant (Variation ID: 1952131). Experimental studies and prediction algorithms are not available or were not evaluated, and the functional significance of this variant is currently unknown. In summary, the available evidence is currently insufficient to determine the role of this variant in disease. Therefore, it has been classified as a Variant of Uncertain Significance.

Fulgent Genetics
Classification: Uncertain significance for Kabuki syndrome 1; Choanal atresia-athelia-hypothyroidism-delayed puberty-short stature syndrome. Last evaluated: 2024-04-02. Review status: criteria provided, single submitter. Criteria: ACMG Guidelines, 2015. Collection method: clinical testing. Allele origin: germline.

NM_003482.4(KMT2D):c.12225_12227del (p.Leu4077del)

Gene: KMT2D (lysine methyltransferase 2D; minus strand). Cytogenetic location: 12q13.12.
Variant type: Deletion.
Coding change: c.12225_12227del on transcript NM_003482.4 (MANE Select); coding-DNA positions 12225 to 12227, 3 bases deleted (CCT; older notation c.12225_12227delCCT).
Protein change: p.Leu4077del; deletes leucine 4077.
Molecular consequence: inframe deletion.
Genome position (GRCh38, 1-based): chr12:49,032,478-49,032,480, AGG deleted on the plus strand (CCT on the coding strand, the reverse complement: KMT2D is on the minus strand); deleting any 3 consecutive bases within chr12:49,032,478-49,032,482 gives the same sequence; the c. name uses the placement nearest the transcript's 3' end. VCF-style (leftmost placement, unchanged base first): chr12-49032477-CAGG-C. GRCh37 (hg19) VCF-style: chr12-49426260-CAGG-C.
Other names: short protein forms L4077del.
Identifiers: ClinVar variation 1952131 (VCV001952131.6), dbSNP rs1565775366, ClinGen allele CA605233596.